The following is an entry in ClinVar:

ClinVar aggregate classification (germline): Pathogenic (1 of 4 stars; one submission).

Conditions:
Hereditary spastic paraplegia 48. Also called: SPASTIC PARAPLEGIA 48, AUTOSOMAL RECESSIVE; Spastic paraplegia 48. Identifiers: Orphanet 306511, MedGen C3150901, MONDO:0013342, OMIM 613647.

Submission:

Labcorp Genetics (formerly Invitae), Labcorp
Classification: Pathogenic for Hereditary spastic paraplegia 48. Last evaluated: 2024-08-08. Review status: criteria provided, single submitter. Criteria: Invitae Variant Classification Sherloc (09022015). Collection method: clinical testing. Allele origin: germline.
Comment: This sequence change creates a premature translational stop signal (p.Ser348Leufs*61) in the AP5Z1 gene. It is expected to result in an absent or disrupted protein product. Loss-of-function variants in AP5Z1 are known to be pathogenic (PMID: 20613862, 27606357). This variant is not present in population databases (gnomAD no frequency). This variant has not been reported in the literature in individuals affected with AP5Z1-related conditions. For these reasons, this variant has been classified as Pathogenic.

Literature cited by the submitters: PubMed 20613862; PubMed 27606357.

NM_014855.3(AP5Z1):c.1042_1043del (p.Ser348fs)

Gene: AP5Z1 (adaptor related protein complex 5 subunit zeta 1; plus strand). Cytogenetic location: 7p22.1.
Variant type: Microsatellite.
Coding change: c.1042_1043del on transcript NM_014855.3 (MANE Select); coding-DNA positions 1042 to 1043, 2 bases deleted (TC; older notation c.1042_1043delTC).
Protein change: p.Ser348fs; shifts the reading frame from serine 348.
Molecular consequence: frameshift variant. On other transcripts: non-coding transcript variant (1).
Genome position (GRCh38, 1-based): chr7:4,785,594-4,785,595, TC deleted; deleting any 2 consecutive bases within chr7:4,785,590-4,785,595 gives the same sequence; the c. name uses the placement nearest the transcript's 3' end. VCF-style (leftmost placement, unchanged base first): chr7-4785589-GTC-G. GRCh37 (hg19) VCF-style: chr7-4825220-GTC-G.
Other names: c.574_575del, p.Ser192fs (NM_001364858.1); short protein forms S192fs, S348fs.
Identifiers: ClinVar variation 3685198 (VCV003685198.2).